The following is an entry in ClinVar:

ClinVar aggregate classification (germline): Pathogenic/Likely pathogenic. Review status: criteria provided, multiple submitters, no conflicts (2 of 4 stars). 5 submissions from 5 submitters: Pathogenic (1); Likely pathogenic (3). 1 of the submissions does not count toward it. Last evaluated 2026-02-10.

Conditions:
ECM1-related disorder. Also called: ECM1-related condition.
Lipid proteinosis. Also called: Lipoid Proteinosis of Urbach and Wiethe; Urbach Wiethe disease; lipoid proteinosis; HYALINOSIS CUTIS ET MUCOSAE. Identifiers: Orphanet 530, MedGen C0023795, MONDO:0009530, OMIM 247100.

Submissions (5):

Dasa
Classification: Likely pathogenic. Last evaluated: 2026-02-10. Review status: criteria provided, single submitter. Criteria: DASA Assertion Criteria. Collection method: clinical testing. Allele origin: germline.
Comment: NM_004425.4(ECM1):c.233del (p.Pro78Leufs*100) is a frameshift variant in ECM1 predicted to alter the reading frame and introduce a premature termination codon and is predicted to result in an absent or altered protein product. Loss of function is an established disease mechanism for ECM1-associated disorders. Also, this variant is rare in population databases. Based on the currently available evidence, this variant is classified as likely pathogenic.

Labcorp Genetics (formerly Invitae), Labcorp
Classification: Pathogenic. Last evaluated: 2024-05-30. Review status: criteria provided, single submitter. Criteria: Invitae Variant Classification Sherloc (09022015). Collection method: clinical testing. Allele origin: germline.
Comment: This sequence change creates a premature translational stop signal (p.Pro78Leufs*100) in the ECM1 gene. It is expected to result in an absent or disrupted protein product. Loss-of-function variants in ECM1 are known to be pathogenic (PMID: 17927570). This variant is present in population databases (rs768474010, gnomAD 0.03%). This variant has not been reported in the literature in individuals affected with ECM1-related conditions. ClinVar contains an entry for this variant (Variation ID: 1034085). For these reasons, this variant has been classified as Pathogenic.

Genome-Nilou Lab
Classification: Likely pathogenic for Lipid proteinosis. Last evaluated: 2023-04-11. Review status: criteria provided, single submitter. Criteria: ACMG Guidelines, 2015. Collection method: clinical testing. Allele origin: germline. Affected: no.

Revvity Omics, Revvity
Classification: Likely pathogenic for Lipid proteinosis. Last evaluated: 2020-06-21. Review status: criteria provided, single submitter. Criteria: ACMG Guidelines, 2015. Collection method: clinical testing. Allele origin: germline.

PreventionGenetics, part of Exact Sciences
Classification: Likely pathogenic for ECM1-related condition. Last evaluated: 2023-12-19. Review status: no assertion criteria provided. Collection method: clinical testing. Allele origin: germline. Not counted in ClinVar's aggregate classification.
Comment: The ECM1 c.233delC variant is predicted to result in a frameshift and premature protein termination (p.Pro78Leufs*100). To our knowledge, this variant has not been reported in the literature. This variant is reported in 0.028% of alleles in individuals of European (Finnish) descent in gnomAD. Frameshift variants in ECM1 are expected to be pathogenic. This variant is interpreted as likely pathogenic.

Literature cited by the submitters: PubMed 17927570 (cited by Labcorp Genetics (formerly Invitae), Labcorp).

NM_004425.4(ECM1):c.233del (p.Pro78fs)

Gene: ECM1 (extracellular matrix protein 1; plus strand). Cytogenetic location: 1q21.2.
Variant type: Deletion.
Coding change: c.233del on transcript NM_004425.4 (MANE Select); coding-DNA position 233, one base deleted (C; older notation c.233delC).
Protein change: p.Pro78fs; shifts the reading frame from proline 78.
Molecular consequence: frameshift variant.
Genome position (GRCh38, 1-based): chr1:150,509,931, C deleted; the last of 5 consecutive C bases (chr1:150,509,927-150,509,931); deleting any one gives the same sequence. VCF-style (leftmost placement, unchanged base first): chr1-150509926-GC-G. GRCh37 (hg19) VCF-style: chr1-150482402-GC-G.
Other names: c.314del, p.Pro105fs (NM_001202858.2); c.233del, p.Pro78fs (NM_022664.3); short protein forms P78fs, P105fs.
Identifiers: ClinVar variation 1034085 (VCV001034085.16), dbSNP rs768474010, ClinGen allele CA1077380.